The following is an entry in ClinVar:

NM_001829.4(CLCN3):c.1072G>A (p.Val358Met)

Gene: CLCN3 (Cl-/H+ antiporter 3; plus strand). Cytogenetic location: 4q33.
Variant type: single nucleotide variant.
Coding change: c.1072G>A on transcript NM_001829.4 (MANE Select); coding-DNA position 1072, G replaced by A.
Protein change: p.Val358Met; replaces valine 358 with methionine.
Molecular consequence: missense variant.
Genome position (GRCh38, 1-based): chr4:169,697,243, G>A. VCF-style: chr4-169697243-G-A. GRCh37 (hg19) VCF-style: chr4-170618394-G-A.
Other names: c.991G>A, p.Val331Met (NM_001243372.2, NM_001243374.2); c.1072G>A, p.Val358Met (NM_173872.4); short protein forms V331M, V358M.
Identifiers: ClinVar variation 4880979 (VCV004880979.2).

ClinVar aggregate classification (germline): Uncertain significance (1 of 4 stars; one submission).

Submission:

Dasa
Classification: Uncertain significance. Last evaluated: 2024-07-05. Review status: criteria provided, single submitter. Criteria: DASA Assertion Criteria. Collection method: clinical testing. Allele origin: germline.
Comment: NM_001829.4(CLCN3):c.1072G>A (p.Val358Met) is a missense variant that results in the substitution of valine with methionine. The affected residue or protein region has prior evidence supporting clinical relevance. This variant is rare in population databases. Computational prediction algorithms are consistent with a deleterious effect. The currently available literature and clinical evidence are not sufficient to establish a definitive association between this variant and the reported condition. Therefore, this variant is classified as a variant of uncertain significance.